The following is an entry in ClinVar:

ClinVar aggregate classification (germline): Uncertain significance. Review status: criteria provided, multiple submitters, no conflicts (2 of 4 stars). 3 submissions from 3 submitters: Uncertain significance (3). Last evaluated 2026-04-22.

Conditions:
Heterotopia, periventricular, X-linked dominant (PVNH1). Also called: PERIVENTRICULAR NODULAR HETEROTOPIA 1; X-linked periventricular heterotopia; PERIVENTRICULAR NODULAR HETEROTOPIA 4; HETEROTOPIA, PERIVENTRICULAR, 1. Identifiers: Orphanet 2149, Orphanet 82004, MedGen C1848213, MONDO:0010233, OMIM 300049.
Melnick-Needles syndrome (MNS). Also called: Melnick-Needles Syndrome (FLNA-MNS); MELNICK-NEEDLES OSTEODYSPLASTY; OSTEODYSPLASTY OF MELNICK AND NEEDLES. Identifiers: Orphanet 2484, MedGen C0025237, MONDO:0010650, OMIM 309350.
Frontometaphyseal dysplasia (FMD1). Identifiers: Orphanet 1826, MedGen C0265293, MONDO:0015942.
Oto-palato-digital syndrome, type II (OPD2). Also called: FACIOPALATOOSSEOUS SYNDROME; Otopalatodigital Syndrome Type 2 (FLNA-OPD2); OPD II SYNDROME; Otopalatodigital Syndrome, Type II. Identifiers: Orphanet 669, Orphanet 90652, MedGen C1844696, MONDO:0010571, OMIM 304120.

Allele frequency attached by ClinVar (database versions not stated): TOPMed 0.00001.
gnomAD v4.1: 2 of 1,207,625 alleles (0.00017%); highest among the groups gnomAD compares: Non-Finnish European, 0.00022%; no homozygotes.

Submissions (3):

GeneDx
Classification: Uncertain significance. Last evaluated: 2026-04-22. Review status: criteria provided, single submitter. Criteria: GeneDx Variant Classification Process June 2021. Collection method: clinical testing. Allele origin: germline.
Comment: Not observed at significant frequency in large population cohorts (gnomAD); In silico analysis suggests that this missense variant does not alter protein structure/function; Has not been previously published as pathogenic or benign to our knowledge

Labcorp Genetics (formerly Invitae), Labcorp
Classification: Uncertain significance for Oto-palato-digital syndrome, type II; Heterotopia, periventricular, X-linked dominant; Frontometaphyseal dysplasia; Melnick-Needles syndrome. Last evaluated: 2025-11-21. Review status: criteria provided, single submitter. Criteria: Invitae Variant Classification Sherloc (09022015). Collection method: clinical testing. Allele origin: germline.
Comment: This sequence change replaces valine, which is neutral and non-polar, with methionine, which is neutral and non-polar, at codon 1740 of the FLNA protein (p.Val1740Met). This variant is not present in population databases (gnomAD no frequency). This variant has not been reported in the literature in individuals affected with FLNA-related conditions. ClinVar contains an entry for this variant (Variation ID: 807862). Invitae Evidence Modeling of protein sequence and biophysical properties (such as structural, functional, and spatial information, amino acid conservation, physicochemical variation, residue mobility, and thermodynamic stability) indicates that this missense variant is not expected to disrupt FLNA protein function with a negative predictive value of 95%. In summary, the available evidence is currently insufficient to determine the role of this variant in disease. Therefore, it has been classified as a Variant of Uncertain Significance.

CeGaT Center for Human Genetics Tuebingen
Classification: Uncertain significance. Last evaluated: 2019-05-01. Review status: criteria provided, single submitter. Criteria: CeGaT Center For Human Genetics Tuebingen Variant Classification Criteria Version 2. Collection method: clinical testing. Allele origin: germline. Affected: yes. Observed: 1 variant allele.

NM_001110556.2(FLNA):c.5242G>A (p.Val1748Met)

Gene: FLNA (filamin A; minus strand). Cytogenetic location: Xq28.
Variant type: single nucleotide variant.
Coding change: c.5242G>A on transcript NM_001110556.2 (MANE Select); coding-DNA position 5242, G replaced by A.
Protein change: p.Val1748Met; replaces valine 1748 with methionine.
Molecular consequence: missense variant.
Genome position (GRCh38, 1-based): chrX:154,354,687, C>T on the plus strand (G>A on the coding strand, the complement: FLNA is on the minus strand). VCF-style: chrX-154354687-C-T. GRCh37 (hg19) VCF-style: chrX-153583055-C-T.
Other names: c.5218G>A, p.Val1740Met (NM_001456.4); c.5218G>A (NM_001456.3); short protein forms V1748M, V1740M.
Identifiers: ClinVar variation 807862 (VCV000807862.51), dbSNP rs1020587429, ClinGen allele CA337276430.